The following is an entry in ClinVar:

ClinVar aggregate classification (germline): Uncertain significance (1 of 4 stars; one submission).

gnomAD v4.1: 8 of 1,517,952 alleles (0.00053%); highest among the groups gnomAD compares: South Asian, 0.0073%; no homozygotes.

Submission:

Labcorp Genetics (formerly Invitae), Labcorp
Classification: Uncertain significance. Last evaluated: 2023-08-17. Review status: criteria provided, single submitter. Criteria: Invitae Variant Classification Sherloc (09022015). Collection method: clinical testing. Allele origin: germline.
Comment: Advanced modeling of protein sequence and biophysical properties (such as structural, functional, and spatial information, amino acid conservation, physicochemical variation, residue mobility, and thermodynamic stability) performed at Invitae indicates that this missense variant is not expected to disrupt PDZD7 protein function. In summary, the available evidence is currently insufficient to determine the role of this variant in disease. Therefore, it has been classified as a Variant of Uncertain Significance. ClinVar contains an entry for this variant (Variation ID: 1476476). This variant has not been reported in the literature in individuals affected with PDZD7-related conditions. This variant is present in population databases (no rsID available, gnomAD 0.01%). This sequence change replaces arginine, which is basic and polar, with tryptophan, which is neutral and slightly polar, at codon 744 of the PDZD7 protein (p.Arg744Trp).

NM_001195263.2(PDZD7):c.2230C>T (p.Arg744Trp)

Gene: PDZD7 (PDZ domain containing 7; minus strand). Cytogenetic location: 10q24.31.
Variant type: single nucleotide variant.
Coding change: c.2230C>T on transcript NM_001195263.2 (MANE Select); coding-DNA position 2230, C replaced by T.
Protein change: p.Arg744Trp; replaces arginine 744 with tryptophan.
Molecular consequence: missense variant.
Genome position (GRCh38, 1-based): chr10:101,010,659, G>A on the plus strand (C>T on the coding strand, the complement: PDZD7 is on the minus strand). VCF-style: chr10-101010659-G-A. GRCh37 (hg19) VCF-style: chr10-102770416-G-A.
Other names: short protein forms R744W.
Identifiers: ClinVar variation 1476476 (VCV001476476.6), dbSNP rs565952913, ClinGen allele CA378224864.